The following is an entry in ClinVar:

ClinVar aggregate classification (germline): Likely pathogenic (1 of 4 stars; one submission).

Submission:

GeneDx
Classification: Likely pathogenic. Last evaluated: 2016-12-22. Review status: criteria provided, single submitter. Criteria: GeneDx Variant Classification (06012015). Collection method: clinical testing. Allele origin: germline. Affected: yes.
Comment: The L738R variant in the DNMT3A gene has not been reported previously as a pathogenic variant, nor as a benign variant, to our knowledge. The L738R variant was not observed in approximately 6500 individuals of European and African American ancestry in the NHLBI Exome Sequencing Project, indicating it is not a common benign variant in these populations. The L738R variant is a non-conservative amino acid substitution, which is likely to impact secondary protein structure as these residues differ in polarity, charge, size and/or other properties. This substitution occurs at a position that is conserved across species. In silico analysis predicts this variant is probably damaging to the protein structure/function. Therefore, we interpret L738R as a likely pathogenic variant.

NM_022552.5(DNMT3A):c.2213T>G (p.Leu738Arg)

Gene: DNMT3A (DNA methyltransferase 3 alpha; minus strand). Cytogenetic location: 2p23.3.
Variant type: single nucleotide variant.
Coding change: c.2213T>G on transcript NM_022552.5 (MANE Select); coding-DNA position 2213, T replaced by G.
Protein change: p.Leu738Arg; replaces leucine 738 with arginine.
Molecular consequence: missense variant. On other transcripts: non-coding transcript variant (1).
Genome position (GRCh38, 1-based): chr2:25,240,411, A>C on the plus strand (T>G on the coding strand, the complement: DNMT3A is on the minus strand). VCF-style: chr2-25240411-A-C. GRCh37 (hg19) VCF-style: chr2-25463280-A-C.
Other names: c.1757T>G, p.Leu586Arg (NM_001320893.1); c.1544T>G, p.Leu515Arg (NM_001375819.1); c.1646T>G, p.Leu549Arg (NM_153759.3); c.2213T>G, p.Leu738Arg (NM_175629.2); short protein forms L549R, L738R, L586R, L515R.
Identifiers: ClinVar variation 391574 (VCV000391574.2), dbSNP rs745714537, ClinGen allele CA16604097.
Genomic context (GRCh38, chr2:25,240,411, plus strand): 5'-ACATTCTCAAAGAGCCAGAAGAAGGGGCGATCATCTCCCTCCTTGGGCCGCGCATCATGC[A>C]GGAGGCGGTAGAACTCAAAGAAGAGCCGGCCAGTGCCCTCTGAGAGGTCGGAAGAGAAAG-3'
Protein context (NP_072046.2, residues 728-748): GRLFFEFYRL[Leu738Arg]HDARPKEGDD